The following is an entry in ClinVar:

NM_001540.5(HSPB1):c.266G>A (p.Arg89Gln)

Gene: HSPB1 (heat shock protein family B (small) member 1; plus strand). Cytogenetic location: 7q11.23.
Variant type: single nucleotide variant.
Coding change: c.266G>A on transcript NM_001540.5 (MANE Select); coding-DNA position 266, G replaced by A.
Protein change: p.Arg89Gln; replaces arginine 89 with glutamine.
Molecular consequence: missense variant.
Genome position (GRCh38, 1-based): chr7:76,302,978, G>A. VCF-style: chr7-76302978-G-A. GRCh37 (hg19) VCF-style: chr7-75932295-G-A.
Other names: c.266G>A (LRG_248t1); short protein forms R89Q.
Identifiers: ClinVar variation 410714 (VCV000410714.12), dbSNP rs1060503022, ClinGen allele CA16612300.

ClinVar aggregate classification (germline): Uncertain significance. Review status: criteria provided, multiple submitters, no conflicts (2 of 4 stars). 3 submissions from 3 submitters: Uncertain significance (3). Last evaluated 2026-08-01.

Conditions:
Inborn genetic diseases. Identifiers: MedGen C0950123, MeSH D030342.
Charcot-Marie-Tooth disease axonal type 2F (CMT2F). Also called: Charcot-Marie-Tooth Neuropathy Type 2F; CHARCOT-MARIE-TOOTH DISEASE, NEURONAL, TYPE 2F. Identifiers: Orphanet 99940, MedGen C1847823, MONDO:0011687, OMIM 606595.

Allele frequency attached by ClinVar (database versions not stated): gnomAD 0.00001 and 0.00002; TOPMed 0.00002.

Submissions (3):

CeGaT Center for Human Genetics Tuebingen
Classification: Uncertain significance. Last evaluated: 2026-08-01. Review status: criteria provided, single submitter. Criteria: CeGaT Center For Human Genetics Tuebingen Variant Classification Criteria Version 2. Collection method: clinical testing. Allele origin: germline. Affected: yes. Observed: 1 variant allele.

Labcorp Genetics (formerly Invitae), Labcorp
Classification: Uncertain significance for Charcot-Marie-Tooth disease axonal type 2F. Last evaluated: 2025-02-17. Review status: criteria provided, single submitter. Criteria: Invitae Variant Classification Sherloc (09022015). Collection method: clinical testing. Allele origin: germline.
Comment: This sequence change replaces arginine, which is basic and polar, with glutamine, which is neutral and polar, at codon 89 of the HSPB1 protein (p.Arg89Gln). This variant is present in population databases (no rsID available, gnomAD 0.001%). This variant has not been reported in the literature in individuals affected with HSPB1-related conditions. ClinVar contains an entry for this variant (Variation ID: 410714). Invitae Evidence Modeling of protein sequence and biophysical properties (such as structural, functional, and spatial information, amino acid conservation, physicochemical variation, residue mobility, and thermodynamic stability) indicates that this missense variant is not expected to disrupt HSPB1 protein function with a negative predictive value of 95%. In summary, the available evidence is currently insufficient to determine the role of this variant in disease. Therefore, it has been classified as a Variant of Uncertain Significance.

Ambry Genetics
Classification: Uncertain significance for Inborn genetic diseases. Last evaluated: 2024-07-05. Review status: criteria provided, single submitter. Criteria: Ambry Variant Classification Scheme 2023. Collection method: clinical testing. Allele origin: germline.